The following is an entry in ClinVar:

NM_002292.4(LAMB2):c.3157_3159del (p.Pro1053del)

Gene: LAMB2 (laminin subunit beta 2; minus strand). Cytogenetic location: 3p21.31.
Variant type: Deletion.
Coding change: c.3157_3159del on transcript NM_002292.4 (MANE Select); coding-DNA positions 3157 to 3159, 3 bases deleted (CCT; older notation c.3157_3159delCCT).
Protein change: p.Pro1053del; deletes proline 1053.
Molecular consequence: inframe deletion.
Genome position (GRCh38, 1-based): chr3:49,124,563-49,124,565, AGG deleted on the plus strand (CCT on the coding strand, the reverse complement: LAMB2 is on the minus strand); deleting any 3 consecutive bases within chr3:49,124,563-49,124,567 gives the same sequence; the c. name uses the placement nearest the transcript's 3' end. VCF-style (leftmost placement, unchanged base first): chr3-49124562-CAGG-C. GRCh37 (hg19) VCF-style: chr3-49161995-CAGG-C.
Other names: c.3157_3159del (NM_002292.3); short protein forms P1053del.
Identifiers: ClinVar variation 653721 (VCV000653721.8), dbSNP rs756027369, ClinGen allele CA2394107.

ClinVar aggregate classification (germline): Uncertain significance. Review status: criteria provided, multiple submitters, no conflicts (2 of 4 stars). 4 submissions from 4 submitters: Uncertain significance (3). 1 of the submissions does not count toward it. Last evaluated 2024-10-17.

Conditions:
LAMB2-related disorder. Also called: LAMB2-related condition.
LAMB2-related infantile-onset nephrotic syndrome. Also called: NEPHROTIC SYNDROME, TYPE 5, WITHOUT OCULAR ABNORMALITIES; NEPHROTIC SYNDROME, TYPE 5, WITH OCULAR ABNORMALITIES; Nephrotic Syndrome, type 5. Identifiers: Orphanet 306507, MedGen C3280113, MONDO:0013621, OMIM 614199.
Pierson syndrome. Also called: MICROCORIA-CONGENITAL NEPHROTIC SYNDROME. Identifiers: Orphanet 2670, MedGen C1836876, MONDO:0012184, OMIM 609049.

Submissions (4):

ARUP Laboratories, Molecular Genetics and Genomics, ARUP Laboratories
Classification: Uncertain significance. Last evaluated: 2024-10-17. Review status: criteria provided, single submitter. Criteria: ARUP Molecular Germline Variant Investigation Process 2024. Collection method: clinical testing. Allele origin: germline.

Labcorp Genetics (formerly Invitae), Labcorp
Classification: Uncertain significance for LAMB2-related infantile-onset nephrotic syndrome; Pierson syndrome. Last evaluated: 2022-08-15. Review status: criteria provided, single submitter. Criteria: Invitae Variant Classification Sherloc (09022015). Collection method: clinical testing. Allele origin: germline.
Comment: This variant, c.3157_3159del, results in the deletion of 1 amino acid(s) of the LAMB2 protein (p.Pro1053del), but otherwise preserves the integrity of the reading frame. This variant is present in population databases (rs756027369, gnomAD 0.04%). This variant has not been reported in the literature in individuals affected with LAMB2-related conditions. ClinVar contains an entry for this variant (Variation ID: 653721). Experimental studies and prediction algorithms are not available or were not evaluated, and the functional significance of this variant is currently unknown. In summary, the available evidence is currently insufficient to determine the role of this variant in disease. Therefore, it has been classified as a Variant of Uncertain Significance.

Fulgent Genetics
Classification: Uncertain significance for Pierson syndrome; LAMB2-related infantile-onset nephrotic syndrome. Last evaluated: 2022-02-07. Review status: criteria provided, single submitter. Criteria: ACMG Guidelines, 2015. Collection method: clinical testing. Allele origin: unknown.

PreventionGenetics, part of Exact Sciences
Classification: Uncertain significance for LAMB2-related condition. Last evaluated: 2024-05-24. Review status: no assertion criteria provided. Collection method: clinical testing. Allele origin: germline. Not counted in ClinVar's aggregate classification.
Comment: The LAMB2 c.3157_3159delCCT variant is predicted to result in an in-frame deletion (p.Pro1053del). This variant has been reported in an individual with a LAMB2-related disorder, but it was with unknown phenotypic effects (reported as p.P1053del in Matejas et al. 2010. PubMed ID: 20556798). This variant is reported in 0.044% of alleles in individuals of European (Non-Finnish) descent in gnomAD. At this time, the clinical significance of this variant is uncertain due to the absence of conclusive functional and genetic evidence.